The following is an entry in ClinVar:

NM_001868.4(CPA1):c.601G>C (p.Gly201Arg)

Gene: CPA1 (carboxypeptidase A1; plus strand). Cytogenetic location: 7q32.2.
Variant type: single nucleotide variant.
Coding change: c.601G>C on transcript NM_001868.4 (MANE Select); coding-DNA position 601, G replaced by C.
Protein change: p.Gly201Arg; replaces glycine 201 with arginine.
Molecular consequence: missense variant.
Genome position (GRCh38, 1-based): chr7:130,383,699, G>C. VCF-style: chr7-130383699-G-C. GRCh37 (hg19) VCF-style: chr7-130023540-G-C.
Other names: short protein forms G201R.
Identifiers: ClinVar variation 1751121 (VCV001751121.6), dbSNP rs782234205, ClinGen allele CA369282664.

ClinVar aggregate classification (germline): Uncertain significance. Review status: criteria provided, multiple submitters, no conflicts (2 of 4 stars). 2 submissions from 2 submitters: Uncertain significance (2). Last evaluated 2025-03-02.

Conditions:
Hereditary pancreatitis (PCTT). Also called: Hereditary chronic pancreatitis; PRSS1-Related Hereditary Pancreatitis. Identifiers: Orphanet 676, MedGen C0238339, MONDO:0008185, OMIM 167800.

gnomAD v4.1: 1 of 1,613,858 alleles (0.000062%); highest among the groups gnomAD compares: Non-Finnish European, 0.000085%; no homozygotes.

Submissions (2):

Ambry Genetics
Classification: Uncertain significance for Hereditary pancreatitis. Last evaluated: 2025-03-02. Review status: criteria provided, single submitter. Criteria: Ambry Variant Classification Scheme 2023. Collection method: clinical testing. Allele origin: germline.
Comment: The p.G201R variant (also known as c.601G>C), located in coding exon 6 of the CPA1 gene, results from a G to C substitution at nucleotide position 601. The glycine at codon 201 is replaced by arginine, an amino acid with dissimilar properties. This amino acid position is not well conserved in available vertebrate species. In addition, this alteration is predicted to be tolerated by in silico analysis. Since supporting evidence is limited at this time, the clinical significance of this alteration remains unclear.

Labcorp Genetics (formerly Invitae), Labcorp
Classification: Uncertain significance. Last evaluated: 2022-11-01. Review status: criteria provided, single submitter. Criteria: Invitae Variant Classification Sherloc (09022015). Collection method: clinical testing. Allele origin: germline.
Comment: Advanced modeling of protein sequence and biophysical properties (such as structural, functional, and spatial information, amino acid conservation, physicochemical variation, residue mobility, and thermodynamic stability) performed at Invitae indicates that this missense variant is not expected to disrupt CPA1 protein function. In summary, the available evidence is currently insufficient to determine the role of this variant in disease. Therefore, it has been classified as a Variant of Uncertain Significance. This variant has not been reported in the literature in individuals affected with CPA1-related conditions. This variant is not present in population databases (gnomAD no frequency). This sequence change replaces glycine, which is neutral and non-polar, with arginine, which is basic and polar, at codon 201 of the CPA1 protein (p.Gly201Arg).